The following is an entry in ClinVar:

NM_000057.4(BLM):c.959+1_959+9del

Gene: BLM (BLM RecQ like helicase; plus strand). Cytogenetic location: 15q26.1.
Variant type: Deletion.
Coding change: c.959+1_959+9del on transcript NM_000057.4 (MANE Select); the canonical splice donor site of the intron after coding-DNA position 959 through 9 bases into the intron after coding-DNA position 959, 9 bases deleted (GTAAACTAG; older notation c.959+1_959+9delGTAAACTAG).
Molecular consequence: splice donor variant.
Genome position (GRCh38, 1-based): chr15:90,751,947-90,751,955, GTAAACTAG deleted; deleting any 9 consecutive bases within chr15:90,751,944-90,751,955 gives the same sequence; the c. name uses the placement nearest the transcript's 3' end. VCF-style (leftmost placement, unchanged base first): chr15-90751943-TTAGGTAAAC-T. GRCh37 (hg19) VCF-style: chr15-91295173-TTAGGTAAAC-T.
Other names: c.959+1_959+9del (NM_001287246.2, NM_001287247.2, LRG_20t1); c.-333+1_-333+9del (NM_001287248.2).
Identifiers: ClinVar variation 556630 (VCV000556630.15), dbSNP rs765061205, ClinGen allele CA7738395.
Genomic context (GRCh38, chr15:90,751,943, plus strand): 5'-ATTTTGTTCCACCTTCTCCAGAAGAAATTATTTCTGCTTCTTCTTCCTCTTCAAAATGCC[TTAGGTAAAC>T]TAGCTAAATAATTAGCATTATTATTTGTTTCTGGGATACTTTAAATTGTTTAATTTAGTT-3'

ClinVar aggregate classification (germline): Conflicting classifications of pathogenicity. Review status: criteria provided, conflicting classifications (1 of 4 stars). 6 submissions from 6 submitters: Likely pathogenic (3); Uncertain significance (1). 2 of the submissions do not count toward it. Last evaluated 2025-12-17.

Conditions:
Bloom syndrome (BLM). Also called: Bloom-Torre-Machacek syndrome. Identifiers: Orphanet 125, MedGen C0005859, MONDO:0008876, OMIM 210900.

Submissions (6):

Myriad Genetics, Inc.
Classification: Likely pathogenic for Bloom syndrome. Last evaluated: 2025-12-17. Review status: criteria provided, single submitter. Criteria: Myriad Autosomal Dominant, Autosomal Recessive and X-Linked Classification Criteria (2023). Collection method: clinical testing. Allele origin: unknown.
Comment: NM_000057.3(BLM):c.959+1_959+9del9 is a variant in a canonical splice site classified as likely pathogenic in the context of Bloom syndrome. c.959+1_959+9del9 has not been observed in cases with relevant disease. Relevant functional assessments of this variant are not available in the literature. c.959+1_959+9del9 has been observed in referenced population frequency databases. In summary, NM_000057.3(BLM):c.959+1_959+9del9 is a variant in a canonical splice site in a gene where loss of function is a known mechanism of disease and is predicted to disrupt protein function. Please note: this variant was assessed in the context of healthy population screening.

Labcorp Genetics (formerly Invitae), Labcorp
Classification: Likely pathogenic for Bloom syndrome. Last evaluated: 2025-07-09. Review status: criteria provided, single submitter. Criteria: Invitae Variant Classification Sherloc (09022015). Collection method: clinical testing. Allele origin: germline.
Comment: This sequence change affects a splice site in intron 4 of the BLM gene. It is expected to disrupt RNA splicing. Variants that disrupt the donor or acceptor splice site typically lead to a loss of protein function (PMID: 16199547), and loss-of-function variants in BLM are known to be pathogenic (PMID: 17407155). This variant is present in population databases (rs765061205, gnomAD 0.007%). This variant has not been reported in the literature in individuals affected with BLM-related conditions. ClinVar contains an entry for this variant (Variation ID: 556630). Algorithms developed to predict the effect of sequence changes on RNA splicing suggest that this variant may disrupt the consensus splice site. In summary, the currently available evidence indicates that the variant is pathogenic, but additional data are needed to prove that conclusively. Therefore, this variant has been classified as Likely Pathogenic.

Baylor Genetics
Classification: Likely pathogenic for Bloom syndrome. Last evaluated: 2024-03-01. Review status: criteria provided, single submitter. Criteria: ACMG Guidelines, 2015. Collection method: clinical testing. Allele origin: unknown.

Foundation for Research in Genetics and Endocrinology, FRIGE's Institute of Human Genetics
Classification: Uncertain significance. Review status: criteria provided, single submitter. Criteria: ACMG Guidelines, 2015. Collection method: clinical testing. Allele origin: germline. Affected: yes. Observed: 1 heterozygote.
Comment: A heterozygous 5' splice site variant in intron 4 of the BLM gene (chr15:g.90751947_90751955del) that affects the invariant GT donor splice site downstream of exon 4 (c.959+1_959+9del; ENST00000355112.8) was detected. This variant has not been reported in the 1000 genomes and gnomAD databases. The in-silico prediction of the variant is damaging by Mutation Taster2 tool. The reference region is conserved across species.

Natera, Inc.
Classification: Likely pathogenic for Bloom syndrome. Last evaluated: 2021-06-15. Review status: no assertion criteria provided. Collection method: clinical testing. Allele origin: germline. Not counted in ClinVar's aggregate classification.

Counsyl
Classification: Likely pathogenic for Bloom syndrome. Last evaluated: 2018-02-13. Review status: no assertion criteria provided. Collection method: clinical testing. Allele origin: unknown. Not counted in ClinVar's aggregate classification.

Literature cited by the submitters: PubMed 16199547 (cited by Labcorp Genetics (formerly Invitae), Labcorp); PubMed 17407155 (cited by Labcorp Genetics (formerly Invitae), Labcorp); PubMed 31054147 (cited by Foundation for Research in Genetics and Endocrinology, FRIGE's Institute of Human Genetics); PubMed 30612635 (cited by Foundation for Research in Genetics and Endocrinology, FRIGE's Institute of Human Genetics).